The following is an entry in ClinVar:

ClinVar aggregate classification (germline): Uncertain significance (1 of 4 stars; one submission).

Conditions:
Bardet-Biedl syndrome (BBS). Identifiers: Orphanet 110, MedGen C0752166, MONDO:0015229.

Submission:

Labcorp Genetics (formerly Invitae), Labcorp
Classification: Uncertain significance for Bardet-Biedl syndrome. Last evaluated: 2020-09-15. Review status: criteria provided, single submitter. Criteria: Invitae Variant Classification Sherloc (09022015). Collection method: clinical testing. Allele origin: germline.
Comment: In summary, the available evidence is currently insufficient to determine the role of this variant in disease. Therefore, it has been classified as a Variant of Uncertain Significance. Algorithms developed to predict the effect of missense changes on protein structure and function are either unavailable or do not agree on the potential impact of this missense change (SIFT: "Deleterious"; PolyPhen-2: "Benign"; Align-GVGD: "Class C0"). This variant has not been reported in the literature in individuals with BBS12-related conditions. This variant is not present in population databases (ExAC no frequency). This sequence change replaces threonine with serine at codon 146 of the BBS12 protein (p.Thr146Ser). The threonine residue is moderately conserved and there is a small physicochemical difference between threonine and serine.

NM_152618.3(BBS12):c.436A>T (p.Thr146Ser)

Gene: BBS12 (Bardet-Biedl syndrome 12; plus strand). Cytogenetic location: 4q27.
Variant type: single nucleotide variant.
Coding change: c.436A>T on transcript NM_152618.3 (MANE Select); coding-DNA position 436, A replaced by T.
Protein change: p.Thr146Ser; replaces threonine 146 with serine.
Molecular consequence: missense variant.
Genome position (GRCh38, 1-based): chr4:122,742,328, A>T. VCF-style: chr4-122742328-A-T. GRCh37 (hg19) VCF-style: chr4-123663483-A-T.
Other names: c.436A>T, p.Thr146Ser (NM_001178007.2); short protein forms T146S.
Identifiers: ClinVar variation 1038709 (VCV001038709.5), dbSNP rs1800890438, ClinGen allele CA358222928.